The following is an entry in ClinVar:

NM_001199397.3(NEK1):c.3140C>T (p.Ser1047Leu)

Gene: NEK1 (NIMA related kinase 1; minus strand). Cytogenetic location: 4q33.
Variant type: single nucleotide variant.
Coding change: c.3140C>T on transcript NM_001199397.3 (MANE Select); coding-DNA position 3140, C replaced by T.
Protein change: p.Ser1047Leu; replaces serine 1047 with leucine.
Molecular consequence: missense variant. On other transcripts: non-coding transcript variant (1).
Genome position (GRCh38, 1-based): chr4:169,424,635, G>A on the plus strand (C>T on the coding strand, the complement: NEK1 is on the minus strand). VCF-style: chr4-169424635-G-A. GRCh37 (hg19) VCF-style: chr4-170345786-G-A.
Other names: c.3008C>T, p.Ser1003Leu (NM_001199398.3); c.2849C>T, p.Ser950Leu (NM_001199399.3); c.2924C>T, p.Ser975Leu (NM_001199400.3); c.3140C>T, p.Ser1047Leu (NM_001374418.1); c.3056C>T, p.Ser1019Leu (NM_001374419.1, NM_012224.4); c.3005C>T, p.Ser1002Leu (NM_001374420.1); c.2657C>T, p.Ser886Leu (NM_001374421.1); short protein forms S1019L, S1047L, S975L, S950L, S1003L, S1002L, S886L.
Identifiers: ClinVar variation 266054 (VCV000266054.5), dbSNP rs377607698, ClinGen allele CA3137229.

ClinVar aggregate classification (germline): Conflicting classifications of pathogenicity. Review status: criteria provided, conflicting classifications (1 of 4 stars). 2 submissions from 2 submitters: Likely pathogenic (1); Uncertain significance (1). Last evaluated 2025-06-12.

Conditions:
Motor neuron disease. Also called: Degenerative motor system disease; Motor neuron disorder. Identifiers: Orphanet 98503, MedGen C0085084, MONDO:0020128.
Short-rib thoracic dysplasia 6 with or without polydactyly (SRTD6). Also called: SHORT RIB-POLYDACTYLY SYNDROME, TYPE IIA; SHORT-RIB THORACIC DYSPLASIA 6 WITH POLYDACTYLY; SHORT-RIB THORACIC DYSPLASIA 6 WITHOUT POLYDACTYLY; POLYDACTYLY WITH NEONATAL CHONDRODYSTROPHY, TYPE II; Majewski Syndrome. Identifiers: MedGen C0024507, MONDO:0009894, OMIM 263520.

Allele frequency attached by ClinVar (database versions not stated): gnomAD 0.00003 and 0.00004; TOPMed 0.00003; ESP Exome Variant Server 0.00008.
gnomAD v4.1: 90 of 1,613,512 alleles (0.0056%); highest among the groups gnomAD compares: Non-Finnish European, 0.0073%; no homozygotes.

Submissions (2):

Labcorp Genetics (formerly Invitae), Labcorp
Classification: Uncertain significance for Short-rib thoracic dysplasia 6 with or without polydactyly. Last evaluated: 2025-06-12. Review status: criteria provided, single submitter. Criteria: Invitae Variant Classification Sherloc (09022015). Collection method: clinical testing. Allele origin: germline.
Comment: This sequence change replaces serine, which is neutral and polar, with leucine, which is neutral and non-polar, at codon 1019 of the NEK1 protein (p.Ser1019Leu). This variant is present in population databases (rs377607698, gnomAD 0.008%). This missense change has been observed in individual(s) with NEK1-related conditions (PMID: 28089114). This variant is also known as c.C3140T; p.S1047L. ClinVar contains an entry for this variant (Variation ID: 266054). Invitae Evidence Modeling of protein sequence and biophysical properties (such as structural, functional, and spatial information, amino acid conservation, physicochemical variation, residue mobility, and thermodynamic stability) indicates that this missense variant is expected to disrupt NEK1 protein function with a positive predictive value of 80%. In summary, the available evidence is currently insufficient to determine the role of this variant in disease. Therefore, it has been classified as a Variant of Uncertain Significance.

Centre for Genomic and Experimental Medicine, University of Edinburgh
Classification: Likely pathogenic for Motor neuron disease. Last evaluated: 2016-08-31. Review status: criteria provided, single submitter. Criteria: Submitter's publication. Collection method: case-control. Allele origin: unknown. Affected: yes. Observed: 1 heterozygote.

Literature cited by the submitters: PubMed 28089114 (cited by Labcorp Genetics (formerly Invitae), Labcorp and Centre for Genomic and Experimental Medicine, University of Edinburgh).